The following is an entry in ClinVar:

NM_001128159.3(VPS53):c.1117-154C>T

Genes: VPS53 (VPS53 subunit of GARP complex; minus strand), LOC126862457 (BRD4-independent group 4 enhancer GRCh37_chr17:504328-505527; plus strand). Cytogenetic location: 17p13.3.
Variant type: single nucleotide variant.
Coding change: c.1117-154C>T on transcript NM_001128159.3 (MANE Select); 154 bases into the intron before coding-DNA position 1117, C replaced by T.
Molecular consequence: intron variant.
Genome position (GRCh38, 1-based): chr17:602,050, G>A on the plus strand (C>T on the coding strand, the complement: VPS53 is on the minus strand). VCF-style: chr17-602050-G-A. GRCh37 (hg19) VCF-style: chr17-505290-G-A.
Other names: c.1030-154C>T (NM_018289.4); c.1117-154C>T (NM_001366253.2); c.523-154C>T (NM_001366254.2).
Identifiers: ClinVar variation 672328 (VCV000672328.2), dbSNP rs12950931, ClinGen allele CA14485563.

ClinVar aggregate classification (germline): Benign. Review status: criteria provided, multiple submitters, no conflicts (2 of 4 stars). 2 submissions from 2 submitters: Benign (2). Last evaluated 2018-06-16.

Allele frequency attached by ClinVar (database versions not stated): gnomAD 0.09812 and 0.09972; TOPMed 0.09866; 1000 Genomes Project 30x 0.10275; 1000 Genomes Project 0.10483.
gnomAD v4.1: 15,100 of 152,106 alleles (9.9%); highest among the groups gnomAD compares: East Asian, 24%; 925 homozygotes.

Submissions (2):

GeneDx
Classification: Benign. Last evaluated: 2018-06-16. Review status: criteria provided, single submitter. Criteria: GeneDx Variant Classification (06012015). Collection method: clinical testing. Allele origin: germline. Affected: yes.
Comment: This variant is considered likely benign or benign based on one or more of the following criteria: it is a conservative change, it occurs at a poorly conserved position in the protein, it is predicted to be benign by multiple in silico algorithms, and/or has population frequency not consistent with disease.

Breakthrough Genomics
Classification: Benign. Review status: criteria provided, single submitter. Criteria: ACMG Guidelines, 2015. Collection method: not provided. Allele origin: germline. Inheritance: Autosomal recessive inheritance. Affected: yes.